The following is an entry in ClinVar:

ClinVar aggregate classification (germline): Pathogenic (1 of 4 stars; one submission).

Conditions:
Long QT syndrome (LQTS). Identifiers: MedGen C0023976, MeSH D008133, MONDO:0002442. Disease mechanism: loss of function. Inheritance: Various modes of inheritance.

Submission:

Labcorp Genetics (formerly Invitae), Labcorp
Classification: Pathogenic for Long QT syndrome. Last evaluated: 2024-07-30. Review status: criteria provided, single submitter. Criteria: Invitae Variant Classification Sherloc (09022015). Collection method: clinical testing. Allele origin: germline.
Comment: This variant results in the deletion of part of exon 6 (c.880_921+630delinsCAC) of the KCNQ1 gene. It is expected to disrupt RNA splicing. Variants that disrupt the donor or acceptor splice site typically lead to a loss of protein function (PMID: 16199547), and loss-of-function variants in KCNQ1 are known to be pathogenic (PMID: 9323054, 19862833). This variant is not present in population databases (gnomAD no frequency). This variant has not been reported in the literature in individuals affected with KCNQ1-related conditions. This variant disrupts a region of the KCNQ1 protein in which other variant(s) (p.Ala302Glu) have been determined to be pathogenic (PMID: 19716085). This suggests that this is a clinically significant region of the protein, and that variants that disrupt it are likely to be disease-causing. For these reasons, this variant has been classified as Pathogenic.

Literature cited by the submitters: PubMed 16199547; PubMed 9323054; PubMed 19862833; PubMed 19716085.

NM_000218.3(KCNQ1):c.880_921+630delinsCAC

Gene: KCNQ1 (potassium voltage-gated channel subfamily Q member 1; plus strand). Cytogenetic location: 11p15.5.
Variant type: Indel.
Coding change: c.880_921+630delinsCAC on transcript NM_000218.3 (MANE Select); coding-DNA position 880 through 630 bases into the intron after coding-DNA position 921, the reference bases replaced by CAC.
Molecular consequence: splice donor variant. On other transcripts: intron variant (1).
Genome position (GRCh38, 1-based): chr11:2,572,945-2,573,616, 672 bases replaced. GRCh37 (hg19): chr11:2,594,175-2,594,846.
Other names: c.610_651+630delinsCAC (NM_001406837.1); c.880_921+630delinsCAC (NM_001406836.1); c.478-10490_478-9819delinsCAC (NM_001406838.1); c.499_540+630delinsCAC (NM_181798.2).
Identifiers: ClinVar variation 3660922 (VCV003660922.2).